The following is an entry in ClinVar:

NM_145038.5(DRC1):c.2076C>T (p.Thr692=)

Gene: DRC1 (dynein regulatory complex subunit 1; plus strand). Cytogenetic location: 2p23.3.
Variant type: single nucleotide variant.
Coding change: c.2076C>T on transcript NM_145038.5 (MANE Select); coding-DNA position 2076, C replaced by T.
Protein change: p.Thr692=; no amino-acid change (threonine 692 retained).
Molecular consequence: synonymous variant.
Genome position (GRCh38, 1-based): chr2:26,455,143, C>T. VCF-style: chr2-26455143-C-T. GRCh37 (hg19) VCF-style: chr2-26678011-C-T.
Identifiers: ClinVar variation 414295 (VCV000414295.37), dbSNP rs141191674, ClinGen allele CA1562512.

ClinVar aggregate classification (germline): Likely benign. Review status: criteria provided, multiple submitters, no conflicts (2 of 4 stars). 3 submissions from 3 submitters: Likely benign (3). Last evaluated 2025-10-12.

Conditions:
Primary ciliary dyskinesia. Also called: Ciliary dyskinesia. Identifiers: Orphanet 244, MedGen C0008780, MONDO:0016575, HP:0012265.

Allele frequency attached by ClinVar (database versions not stated): gnomAD exomes 0.00004 and 0.00012; ExAC 0.00013; gnomAD 0.00031 and 0.00032; ESP Exome Variant Server 0.00038; TOPMed 0.00039; 1000 Genomes Project 0.00120; 1000 Genomes Project 30x 0.00125.
gnomAD v4.1: 103 of 1,614,012 alleles (0.0064%); highest among the groups gnomAD compares: African/African-American, 0.1%; no homozygotes.

Submissions (3):

Labcorp Genetics (formerly Invitae), Labcorp
Classification: Likely benign for Primary ciliary dyskinesia. Last evaluated: 2025-10-12. Review status: criteria provided, single submitter. Criteria: Invitae Variant Classification Sherloc (09022015). Collection method: clinical testing. Allele origin: germline.

Blueprint Genetics
Classification: Likely benign. Last evaluated: 2024-10-22. Review status: criteria provided, single submitter. Criteria: ACMG Guidelines, 2015. Collection method: clinical testing. Allele origin: germline.

CeGaT Center for Human Genetics Tuebingen
Classification: Likely benign. Last evaluated: 2022-09-01. Review status: criteria provided, single submitter. Criteria: CeGaT Center For Human Genetics Tuebingen Variant Classification Criteria Version 2. Collection method: clinical testing. Allele origin: germline. Affected: yes. Observed: 1 variant allele.
Comment: DRC1: BP4, BP7